The following is an entry in ClinVar:

ClinVar aggregate classification (germline): Uncertain significance (1 of 4 stars; one submission).

Conditions:
Severe combined immunodeficiency due to DNA-PKcs deficiency. Also called: Immunodeficiency 26 with or without neurologic abnormalities; IMMUNODEFICIENCY 26 WITH NEUROLOGIC ABNORMALITIES. Identifiers: Orphanet 317425, MedGen C4014833, MONDO:0014423, OMIM 615966.

gnomAD v4.1: 1 of 1,609,538 alleles (0.000062%); highest among the groups gnomAD compares: South Asian, 0.0011%; no homozygotes.

Submission:

Labcorp Genetics (formerly Invitae), Labcorp
Classification: Uncertain significance for Severe combined immunodeficiency due to DNA-PKcs deficiency. Last evaluated: 2021-09-21. Review status: criteria provided, single submitter. Criteria: Invitae Variant Classification Sherloc (09022015). Collection method: clinical testing. Allele origin: germline.
Comment: This sequence change replaces glutamine with proline at codon 4018 of the PRKDC protein (p.Gln4018Pro). The glutamine residue is weakly conserved and there is a moderate physicochemical difference between glutamine and proline. This variant is not present in population databases (ExAC no frequency). This variant has not been reported in the literature in individuals affected with PRKDC-related conditions. Experimental studies and prediction algorithms are not available or were not evaluated, and the functional significance of this variant is currently unknown. In summary, the available evidence is currently insufficient to determine the role of this variant in disease. Therefore, it has been classified as a Variant of Uncertain Significance.

NM_006904.7(PRKDC):c.12053A>C (p.Gln4018Pro)

Gene: PRKDC (protein kinase, DNA-activated, catalytic subunit; minus strand). Cytogenetic location: 8q11.21.
Variant type: single nucleotide variant.
Coding change: c.12053A>C on transcript NM_006904.7 (MANE Select); coding-DNA position 12053, A replaced by C.
Protein change: p.Gln4018Pro; replaces glutamine 4018 with proline.
Molecular consequence: missense variant.
Genome position (GRCh38, 1-based): chr8:47,776,973, T>G on the plus strand (A>C on the coding strand, the complement: PRKDC is on the minus strand). VCF-style: chr8-47776973-T-G. GRCh37 (hg19) VCF-style: chr8-48689534-T-G.
Other names: c.11960A>C, p.Gln3987Pro (NM_001081640.2); short protein forms Q3987P, Q4018P.
Identifiers: ClinVar variation 1417430 (VCV001417430.6), dbSNP rs2154497272, ClinGen allele CA371127340.